The following is an entry in ClinVar:

NM_001130987.2(DYSF):c.4556A>C (p.Lys1519Thr)

Gene: DYSF (dysferlin; plus strand). Cytogenetic location: 2p13.2.
Variant type: single nucleotide variant.
Coding change: c.4556A>C on transcript NM_001130987.2 (MANE Select); coding-DNA position 4556, A replaced by C.
Protein change: p.Lys1519Thr; replaces lysine 1519 with threonine.
Molecular consequence: missense variant.
Genome position (GRCh38, 1-based): chr2:71,643,993, A>C. VCF-style: chr2-71643993-A-C. GRCh37 (hg19) VCF-style: chr2-71871123-A-C.
Other names: NM_001130987.2(DYSF):c.4556A>C; p.Lys1519Thr; c.4442A>C, p.Lys1481Thr (NM_001130455.2); c.4397A>C, p.Lys1466Thr (NM_001130976.2); c.4460A>C, p.Lys1487Thr (NM_001130977.2); c.4502A>C, p.Lys1501Thr (NM_001130978.2); c.4532A>C, p.Lys1511Thr (NM_001130979.2); c.4490A>C, p.Lys1497Thr (NM_001130980.2); and 7 more; short protein forms K1480T, K1501T, K1519T, K1467T, K1498T, K1511T, K1512T, K1488T.
Identifiers: ClinVar variation 94324 (VCV000094324.20), dbSNP rs398123788, ClinGen allele CA222170.

ClinVar aggregate classification (germline): Likely pathogenic. Review status: reviewed by expert panel (3 of 4 stars). 7 submissions from 7 submitters: Likely pathogenic (1). 6 of the submissions do not count toward it. Last evaluated 2025-04-22.

Conditions:
Autosomal recessive limb-girdle muscular dystrophy. Identifiers: Orphanet 102015, MedGen C2931907, MONDO:0015152.
Neuromuscular disease caused by qualitative or quantitative defects of dysferlin. Also called: Qualitative or quantitative defects of dysferlin; Dysferlinopathy. Identifiers: Orphanet 207073, MedGen C2931687, MONDO:0016145.
Autosomal recessive limb-girdle muscular dystrophy type 2B (LGMDR2). Also called: MUSCULAR DYSTROPHY, LIMB-GIRDLE, TYPE 3; Limb-Girdle Muscular Dystrophy Type 2B (LGMD2B); MUSCULAR DYSTROPHY, LIMB-GIRDLE, AUTOSOMAL RECESSIVE 2; Limb-girdle muscular dystrophy, type 2B. Identifiers: Orphanet 268, MedGen C1850889, MONDO:0009676, OMIM 253601.
Miyoshi muscular dystrophy 1 (MMD1). Identifiers: Orphanet 45448, MedGen C4551973, MONDO:0024545, OMIM 254130.

Allele frequency attached by ClinVar (database versions not stated): gnomAD exomes below 0.00001.
gnomAD v4.1: 2 of 1,612,206 alleles (0.00012%); highest among the groups gnomAD compares: South Asian, 0.0022%; no homozygotes.

Submissions (7):

ClinGen Limb Girdle Muscular Dystrophy Variant Curation Expert Panel, ClinGen
Classification: Likely pathogenic for Autosomal recessive limb-girdle muscular dystrophy. Last evaluated: 2025-04-22. Review status: reviewed by expert panel. Criteria: ClinGen LGMD VCEP ACMG Specifications DYSF V1.0.0. Collection method: curation. Allele origin: germline. Inheritance: Autosomal recessive inheritance.
Comment: The NM_003494.4: c.4439A>C variant in DYSF, which is also known as NM_001130987.2: c.4556A>C p.(Lys1519Thr), is a missense variant predicted to cause the substitution of lysine for threonine at amino acid position 1480, p.(Lys1480Thr). This variant has been reported in at least nine individuals with features consistent with LGMD, including confirmed in trans with a likely pathogenic or pathogenic variant in two patients (NM_003494.4: c.3618C>G p.(Tyr1206Ter), 1.0 pt x2, PMID: 30919934, 15827562; LOVD Individual #00215274) (PM3_Strong). It has also been reported in a homozygous state in at least six patients who were also homozygous for NM_003494.4: c.4060_4062del p.(Ser1354del), indicating these two variants occur in cis (PMID: 30564623; PMID: 36983702; LOVD Individual #00219454; LOVD Individual #00222227; Jain Foundation Dysferlin Registry internal data communication). At least one patient was also reported to carry the c.4439A>C p.(Lys1480Thr) and c.4060_4062del p.(Ser1354del) variants in a compound heterozygous state (LOVD Individuals #00215628, #00215714). At least one patient with this variant and a second presumed diagnostic DYSF variant (NM_003494.4: c.3618C>G p.(Tyr1206Ter)) displayed progressive limb girdle muscle weakness (PP4; PMID: 30919934; PMID: 15827562). The highest minor allele frequency for this variant in gnomAD v4.1.0 exomes is 0.00002337 in the South Asian population (2/85572 chromosomes), which is less than the LGMD VCEP threshold of 0.0001 (PM2_Supporting). The computational predictor REVEL gives a score of 0.86, which is above the LGMD VCEP threshold of 0.70, evidence that correlates with impact to DYSF function (PP3). In summary, this variant meets the criteria to be classified as Likely Pathogenic for autosomal recessive limb girdle muscular dystrophy based on the ACMG/AMP criteria applied, as specified by the ClinGen LGMD VCEP (LGMD VCEP specifications version 1.0.0; 04/22/2025): PM3_Strong, PP4, PM2_Supporting, PP3.

Women's Health and Genetics/Laboratory Corporation of America, LabCorp
Classification: Likely pathogenic for Autosomal recessive limb-girdle muscular dystrophy. Last evaluated: 2026-04-30. Review status: criteria provided, single submitter. Criteria: LabCorp Variant Classification Summary - May 2015. Collection method: clinical testing. Allele origin: germline. Not counted in ClinVar's aggregate classification.
Comment: Variant summary: DYSF c.4439A>C (p.Lys1480Thr) results in a non-conservative amino acid change in the encoded protein sequence. Algorithms developed to predict the effect of missense changes on protein structure and function all suggest that this variant is likely to be disruptive. The variant was absent in 248062 control chromosomes. c.4439A>C has been observed in compound heterozygous and homozygous individuals affected with Limb-Girdle Muscular Dystrophy, Autosomal Recessive (Huang_2005, Ten Dam_2019, Nallamilli_2018, Rufibach_2023). These data indicate that the variant may be associated with disease. To our knowledge, no experimental evidence demonstrating an impact on protein function has been reported. Internally validated machine learning-based Evidence Modelingof protein sequence and biophysical properties (such as structural, functional, and spatial information, amino acid conservation, physicochemical variation, residue mobility, and thermodynamic stability) indicates that this missense variant is expected to disrupt DYSF protein function with a positive predictive value of at least 95%. The following publications have been ascertained in the context of this evaluation (PMID: 15827562, 30564623, 36580222, 36983702, 30919934). ClinVar contains an entry for this variant (Variation ID: 94324). Based on the evidence outlined above, the variant was classified as likely pathogenic.

Natera, Inc.
Classification: Likely pathogenic for Limb-girdle muscular dystrophy type 2B. Last evaluated: 2025-12-30. Review status: criteria provided, single submitter. Criteria: Natera Variant Classification Schema (03/2026). Collection method: clinical testing. Allele origin: germline. Not counted in ClinVar's aggregate classification.
Comment: The c.4439A>C variant in DYSF is a missense variant predicted to cause substitution of lysine to threonine at amino acid 1480. This variant is rare in the general population with a frequency below the threshold expected for the associated phenotype(s). This variant has been observed in one or more individuals affected with the associated recessive disease, as either homozygous or compound heterozygous with a second variant (PMID: 30919934, 15827562). Computational prediction algorithms indicate this variant is likely to affect gene or protein function. Given the available evidence, this variant is classified as Likely Pathogenic.

Labcorp Genetics (formerly Invitae), Labcorp
Classification: Likely pathogenic for Neuromuscular disease caused by qualitative or quantitative defects of dysferlin. Last evaluated: 2025-02-28. Review status: criteria provided, single submitter. Criteria: Invitae Variant Classification Sherloc (09022015). Collection method: clinical testing. Allele origin: germline. Not counted in ClinVar's aggregate classification.
Comment: This sequence change replaces lysine, which is basic and polar, with threonine, which is neutral and polar, at codon 1480 of the DYSF protein (p.Lys1480Thr). This variant is not present in population databases (gnomAD no frequency). This missense change has been observed in individual(s) with limb-girdle muscular dystrophy (PMID: 15827562, 30564623, 30919934). ClinVar contains an entry for this variant (Variation ID: 94324). Invitae Evidence Modeling of protein sequence and biophysical properties (such as structural, functional, and spatial information, amino acid conservation, physicochemical variation, residue mobility, and thermodynamic stability) indicates that this missense variant is expected to disrupt DYSF protein function with a positive predictive value of 95%. In summary, the currently available evidence indicates that the variant is pathogenic, but additional data are needed to prove that conclusively. Therefore, this variant has been classified as Likely Pathogenic.

Revvity Omics, Revvity
Classification: Uncertain significance. Last evaluated: 2024-11-08. Review status: criteria provided, single submitter. Criteria: ACMG Guidelines, 2015. Collection method: clinical testing. Allele origin: germline. Not counted in ClinVar's aggregate classification.

Baylor Genetics
Classification: Likely pathogenic for Miyoshi muscular dystrophy 1. Last evaluated: 2024-03-04. Review status: criteria provided, single submitter. Criteria: ACMG Guidelines, 2015. Collection method: clinical testing. Allele origin: unknown. Not counted in ClinVar's aggregate classification.

Eurofins Ntd Llc (ga)
Classification: Uncertain significance. Last evaluated: 2017-03-21. Review status: criteria provided, single submitter. Criteria: EGL Classification Definitions 2015. Collection method: clinical testing. Allele origin: germline. Observed: 3 variant alleles, 2 homozygotes. Not counted in ClinVar's aggregate classification.

Literature cited by the submitters: PubMed 30564623 (cited by Women's Health and Genetics/Laboratory Corporation of America, LabCorp and Labcorp Genetics (formerly Invitae), Labcorp); PubMed 30919934 (cited by 3 submitters); PubMed 36580222 (cited by Women's Health and Genetics/Laboratory Corporation of America, LabCorp); PubMed 36983702 (cited by Women's Health and Genetics/Laboratory Corporation of America, LabCorp); PubMed 15827562 (cited by 3 submitters).